The following is an entry in ClinVar:

ClinVar aggregate classification (germline): Uncertain significance (1 of 4 stars; one submission).

Allele frequency attached by ClinVar (database versions not stated): TOPMed below 0.00001.
gnomAD v4.1: 1 of 1,613,378 alleles (0.000062%); highest among the groups gnomAD compares: African/African-American, 0.0013%; no homozygotes.

Submission:

Women's Health and Genetics/Laboratory Corporation of America, LabCorp
Classification: Uncertain significance. Last evaluated: 2023-10-23. Review status: criteria provided, single submitter. Criteria: LabCorp Variant Classification Summary - May 2015. Collection method: clinical testing. Allele origin: germline.
Comment: Variant summary: NSD1 c.6845C>T (p.Pro2282Leu) results in a non-conservative amino acid change in the encoded protein sequence. Four of five in-silico tools predict a damaging effect of the variant on protein function. The variant was absent in 251100 control chromosomes. The available data on variant occurrences in the general population are insufficient to allow any conclusion about variant significance. To our knowledge, no occurrence of c.6845C>T in individuals affected with Sotos Syndrome and no experimental evidence demonstrating its impact on protein function have been reported. No submitters have cited clinical-significance assessments for this variant to ClinVar after 2014. Based on the evidence outlined above, the variant was classified as uncertain significance.

NM_022455.5(NSD1):c.6845C>T (p.Pro2282Leu)

Gene: NSD1 (nuclear receptor binding SET domain protein 1; plus strand). Cytogenetic location: 5q35.3.
Variant type: single nucleotide variant.
Coding change: c.6845C>T on transcript NM_022455.5 (MANE Select); coding-DNA position 6845, C replaced by T.
Protein change: p.Pro2282Leu; replaces proline 2282 with leucine.
Molecular consequence: missense variant.
Genome position (GRCh38, 1-based): chr5:177,294,213, C>T. VCF-style: chr5-177294213-C-T. GRCh37 (hg19) VCF-style: chr5-176721214-C-T.
Other names: c.5972C>T, p.Pro1991Leu (NM_001365684.2, NM_001409308.1, NM_172349.5); c.6845C>T, p.Pro2282Leu (NM_001409301.1, NM_001409302.1, NM_001409303.1); c.6425C>T, p.Pro2142Leu (NM_001409304.1); c.6092C>T, p.Pro2031Leu (NM_001409305.1); c.6083C>T, p.Pro2028Leu (NM_001409306.1, NM_001409307.1); c.5723C>T, p.Pro1908Leu (NM_001409309.1); short protein forms P1908L, P1991L, P2028L, P2031L, P2142L, P2282L.
Identifiers: ClinVar variation 2637419 (VCV002637419.1), dbSNP rs539453877, ClinGen allele CA362326399.